The following is an entry in ClinVar:

NM_005120.3(MED12):c.5092G>A (p.Ala1698Thr)

Gene: MED12 (mediator complex subunit 12; plus strand). Cytogenetic location: Xq13.1.
Variant type: single nucleotide variant.
Coding change: c.5092G>A on transcript NM_005120.3 (MANE Select); coding-DNA position 5092, G replaced by A.
Protein change: p.Ala1698Thr; replaces alanine 1698 with threonine.
Molecular consequence: missense variant.
Genome position (GRCh38, 1-based): chrX:71,136,347, G>A. VCF-style: chrX-71136347-G-A. GRCh37 (hg19) VCF-style: chrX-70356197-G-A.
Other names: short protein forms A1698T.
Identifiers: ClinVar variation 521939 (VCV000521939.3), dbSNP rs1556338747, ClinGen allele CA413533810.
Genomic context (GRCh38, chrX:71,136,347, plus strand): 5'-CAGGTTTCCACCAAACAGAAGATCTCGCCCTGGGATCTTTTTGAGGGGTTGAAGCCGTCA[G>A]CACCACTCTCTTGGGGCTGGTTTGGAACAGTCCGAGTGGACCGGCGAGTGGCTCGAGGAG-3'
Protein context (NP_005111.2, residues 1688-1708): WDLFEGLKPS[Ala1698Thr]PLSWGWFGTV

ClinVar aggregate classification (germline): Uncertain significance (1 of 4 stars; one submission).

Conditions:
Inborn genetic diseases. Identifiers: MedGen C0950123, MeSH D030342.

Submission:

Ambry Genetics
Classification: Uncertain significance for Hereditary disease. Last evaluated: 2017-09-08. Review status: criteria provided, single submitter. Criteria: ambry_reporting_categories_2017. Collection method: clinical testing. Allele origin: germline. Affected: yes. Observed: 1 hemizygote. Segregation with disease observed.
Comment: Lines of evidence used in support of classification: UNCERTAIN: Alteration(s) of Uncertain Clinical Significance Detected

Literature cited by the submitters: PubMed 17334363; PubMed 17369503; PubMed 20507344; PubMed 23395478; PubMed 10405444; PubMed 17036352; PubMed 8279489; PubMed 16700052; PubMed 17103446; PubMed 24039113; PubMed 25644381; PubMed 26273451; PubMed 26338144; PubMed 20970104.